The following is an entry in ClinVar:

ClinVar aggregate classification (germline): Conflicting classifications of pathogenicity. Review status: criteria provided, conflicting classifications (1 of 4 stars). 7 submissions from 7 submitters: Likely pathogenic (4); Uncertain significance (1). 2 of the submissions do not count toward it. Last evaluated 2026-04-22.

Conditions:
CANT1-related disorder. Also called: CANT1-related condition.
Desbuquois dysplasia 1 (DBQD1). Also called: MICROMELIC DWARFISM WITH VERTEBRAL AND METAPHYSEAL ABNORMALITIES AND ADVANCED CARPOTARSAL OSSIFICATION; DESBUQUOIS DYSPLASIA 1, KIM VARIANT. Identifiers: Orphanet 1425, MedGen C4012146, MONDO:0009629, OMIM 251450.

Allele frequency attached by ClinVar (database versions not stated): gnomAD exomes below 0.00001; TOPMed 0.00002; gnomAD 0.00001.
gnomAD v4.1: 12 of 1,597,880 alleles (0.00075%); highest among the groups gnomAD compares: African/African-American, 0.011%; no homozygotes.

Submissions (7):

GeneDx
Classification: Uncertain significance. Last evaluated: 2026-04-22. Review status: criteria provided, single submitter. Criteria: GeneDx Variant Classification Process June 2021. Collection method: clinical testing. Allele origin: germline.
Comment: Not observed at significant frequency in large population cohorts (gnomAD); In silico analysis supports that this missense variant has a deleterious effect on protein structure/function; This variant is associated with the following publications: (PMID: 21037275, 32922611, 30231296, 19853239, 36331722, 39273648)

Labcorp Genetics (formerly Invitae), Labcorp
Classification: Likely pathogenic. Last evaluated: 2025-08-15. Review status: criteria provided, single submitter. Criteria: Invitae Variant Classification Sherloc (09022015). Collection method: clinical testing. Allele origin: germline.
Comment: This sequence change replaces proline, which is neutral and non-polar, with leucine, which is neutral and non-polar, at codon 299 of the CANT1 protein (p.Pro299Leu). This variant is present in population databases (rs267606700, gnomAD 0.006%). This missense change has been observed in individuals with clinical features of Desbuquois dysplasia (PMID: 19853239, 36331722). ClinVar contains an entry for this variant (Variation ID: 283). Invitae Evidence Modeling of protein sequence and biophysical properties (such as structural, functional, and spatial information, amino acid conservation, physicochemical variation, residue mobility, and thermodynamic stability) indicates that this missense variant is expected to disrupt CANT1 protein function with a positive predictive value of 95%. In summary, the currently available evidence indicates that the variant is pathogenic, but additional data are needed to prove that conclusively. Therefore, this variant has been classified as Likely Pathogenic.

Women's Health and Genetics/Laboratory Corporation of America, LabCorp
Classification: Likely pathogenic for Desbuquois dysplasia 1. Last evaluated: 2025-03-27. Review status: criteria provided, single submitter. Criteria: LabCorp Variant Classification Summary - May 2015. Collection method: clinical testing. Allele origin: germline.
Comment: Variant summary: CANT1 c.896C>T (p.Pro299Leu) results in a non-conservative amino acid change in the encoded protein sequence. Five of five in-silico tools predict a damaging effect of the variant on protein function. The variant allele was found at a frequency of 4.4e-06 in 229040 control chromosomes. c.896C>T has been reported in the literature in the homozygous and compound heterozygous state in individuals affected with Desbuquois dysplasia 1 (Biji_2023, Huber_2009). These data indicate that the variant is likely to be associated with disease. To our knowledge, no experimental evidence demonstrating an impact on protein function has been reported. The following publications have been ascertained in the context of this evaluation (PMID: 36331722, 19853239). ClinVar contains an entry for this variant (Variation ID: 283). Based on the evidence outlined above, the variant was classified as likely pathogenic.

PreventionGenetics, part of Exact Sciences
Classification: Likely pathogenic for CANT1-related condition. Last evaluated: 2025-02-17. Review status: criteria provided, single submitter. Criteria: ACMG Guidelines, 2015. Collection method: clinical testing. Allele origin: germline.
Comment: The CANT1 c.896C>T variant is predicted to result in the amino acid substitution p.Pro299Leu. This variant was reported along with a second pathogenic variant in two siblings with Desbuquois dysplasia (Huber et al. 2009. PubMed ID: 19853239) and in the homozygous state in another individual with Desbuquois dysplasia (Biji et al. 2023. PubMed ID: 36331722). This variant is reported in 0.0057% of alleles in individuals of East Asian descent in gnomAD. This variant is interpreted as likely pathogenic.

Genetic Services Laboratory, University of Chicago
Classification: Likely pathogenic. Last evaluated: 2023-02-20. Review status: criteria provided, single submitter. Criteria: ACMG Guidelines, 2015. Collection method: clinical testing. Allele origin: germline. Affected: yes.
Comment: DNA sequence analysis of the CANT1 gene demonstrated a sequence change, c.896C>T, in exon 4 that results in an amino acid change, p.Pro299Leu. The p.Pro299Leu change affects a highly conserved amino acid residue located in a domain of the CANT1 protein that is known to be functional (PMID: 19853239). The p.Pro299Leu substitution appears to be deleterious using several in-silico pathogenicity prediction tools (SIFT, PolyPhen2, Align GVGD, REVEL). This sequence change has been described in the literature in two affected siblings with Desbuguois dysplasia, in trans configuration with a truncating variant in the same gene (PMID: 19853239). This sequence change has been described in the gnomAD database in one individual which corresponds to a population frequency of 0.0004% (dbSNP rs267606700). This sequence change is likely pathogenic, however functional studies have not been performed to prove this conclusively.

Institute of Medical Genetics and Genomics, Sir Ganga Ram Hospital
Classification: Pathogenic for Desbuquois dysplasia 1. Last evaluated: 2022-01-30. Review status: no assertion criteria provided. Collection method: clinical testing. Allele origin: germline. Inheritance: Autosomal recessive inheritance. Affected: yes. Observed: 1 homozygote. Not counted in ClinVar's aggregate classification.
Comment: The allele frequency is 0.0004% in gnomAD (aggregated) database. In-silico bioinformatic software predict this variant by mutation taster as Disease causing and SIFT & PROVEAN as Damaging. Desbuquois Dysplasia 1 is an autosomal recessive disorder. Based on the phenotypic observation, we classify this variant as likely pathogenic.

OMIM
Classification: Pathogenic for DESBUQUOIS DYSPLASIA 1. Last evaluated: 2009-11-01. Review status: no assertion criteria provided. Collection method: literature only. Allele origin: germline. Not counted in ClinVar's aggregate classification.

Literature cited by the submitters: PubMed 19853239 (cited by 4 submitters); PubMed 36331722 (cited by Labcorp Genetics (formerly Invitae), Labcorp and Women's Health and Genetics/Laboratory Corporation of America, LabCorp).

NM_001159773.2(CANT1):c.896C>T (p.Pro299Leu)

Gene: CANT1 (calcium activated nucleotidase 1; minus strand). Cytogenetic location: 17q25.3.
Variant type: single nucleotide variant.
Coding change: c.896C>T on transcript NM_001159773.2 (MANE Select); coding-DNA position 896, C replaced by T.
Protein change: p.Pro299Leu; replaces proline 299 with leucine.
Molecular consequence: missense variant.
Genome position (GRCh38, 1-based): chr17:78,993,860, G>A on the plus strand (C>T on the coding strand, the complement: CANT1 is on the minus strand). VCF-style: chr17-78993860-G-A. GRCh37 (hg19) VCF-style: chr17-76989942-G-A.
Other names: c.896C>T (NM_138793.3); c.896C>T, p.Pro299Leu (NM_001159772.2, NM_138793.4); short protein forms P299L.
Identifiers: ClinVar variation 283 (VCV000000283.10), dbSNP rs267606700, ClinGen allele CA114114.